The following is an entry in ClinVar:

ClinVar aggregate classification (germline): Uncertain significance. Review status: criteria provided, multiple submitters, no conflicts (2 of 4 stars). 3 submissions from 3 submitters: Uncertain significance (2). 1 of the submissions does not count toward it. Last evaluated 2023-09-06.

Conditions:
Early-infantile DEE. Also called: Early infantile epileptic encephalopathy; Ohtahara syndrome; Early infantile epileptic encephalopathy with suppression bursts. Identifiers: Orphanet 1934, MedGen C0393706, MONDO:0800491.
Developmental and epileptic encephalopathy, 7 (DEE7). Also called: KCNQ2-Related Neonatal Epileptic Encephalopathy; Early infantile epileptic encephalopathy 7; KCNQ2-Related Neonatal-Onset Developmental and Epileptic Encephalopathy (NEO-DEE). Identifiers: Orphanet 439218, MedGen C3150986, MONDO:0013387, OMIM 613720.

Allele frequency attached by ClinVar (database versions not stated): gnomAD 0.00001.
gnomAD v4.1: 1 of 1,608,554 alleles (0.000062%); highest among the groups gnomAD compares: Admixed American, 0.0017%; no homozygotes.

Submissions (3):

Labcorp Genetics (formerly Invitae), Labcorp
Classification: Uncertain significance for Early-infantile DEE. Last evaluated: 2023-09-06. Review status: criteria provided, single submitter. Criteria: Invitae Variant Classification Sherloc (09022015). Collection method: clinical testing. Allele origin: germline.
Comment: ClinVar contains an entry for this variant (Variation ID: 369794). In summary, the available evidence is currently insufficient to determine the role of this variant in disease. Therefore, it has been classified as a Variant of Uncertain Significance. Algorithms developed to predict the effect of missense changes on protein structure and function output the following: SIFT: "Not Available"; PolyPhen-2: "Benign"; Align-GVGD: "Not Available". The proline amino acid residue is found in multiple mammalian species, which suggests that this missense change does not adversely affect protein function. This missense change has been observed in individual(s) with clinical features of KCNQ2-related conditions (PMID: 23708187). This variant is not present in population databases (gnomAD no frequency). This sequence change replaces glutamine, which is neutral and polar, with proline, which is neutral and non-polar, at codon 461 of the KCNQ2 protein (p.Gln461Pro).

Victorian Clinical Genetics Services, Murdoch Childrens Research Institute
Classification: Uncertain significance for Developmental and epileptic encephalopathy, 7. Last evaluated: 2022-02-02. Review status: criteria provided, single submitter. Criteria: ACMG Guidelines, 2015. Collection method: clinical testing. Allele origin: germline. Inheritance: Autosomal dominant inheritance.
Comment: Based on the classification scheme VCGS_Germline_v1.3.4, this variant is classified as VUS-3B. Following criteria are met: 0103 - Dominant negative and loss of function are known mechanisms of disease in this gene and are associated with early infantile epileptic encephalopathy, 7 (EIEE) (MIM#613720) and benign neonatal seizures, 1 (BNS) (MIM#121200). Missense variants have been reported with a dominant negative mechanism (OMIM, PMID 24318194) and in patients with either condition. Truncating variants and those predicted to undergo nonsense-mediated decay, have been reported to cause loss of function (DECIPHER) and are almost exclusively found in patients with BNS (PMID: 32917465). (I) 0107 - This gene is associated with autosomal dominant disease. (I) 0112 - The condition associated with this gene has incomplete penetrance, however, this is only reported for patients with BNS (PMID 25959266). (I) 0200 - Variant is predicted to result in a missense amino acid change from glutamine to proline. (I) 0251 - This variant is heterozygous. (I) 0302 - Variant is present in gnomAD (v3) <0.001 for a dominant condition (1 heterozygote, 0 homozygotes). (SP) 0504 - Same amino acid change has been observed in placental mammals. (SB) 0604 - Variant is not located in an established domain, motif, hotspot or informative constraint region. (I) 0710 - Another missense variant comparable to the one identified in this case has inconclusive previous evidence for pathogenicity. The p.(Gln461His) has been reported a VUS in ClinVar. (I) 0809 - Previous evidence of pathogenicity for this variant is inconclusive. This variant has been previously described as pathogenic in ClinVar referring to a patient with epileptic encephalopathy (PMID: 23708187), however subsequent testing of this patient's unaffected mother identified the variant and it was re-classified to likely non-pathogenic (The RIKEE Project). (I) 0905 - No published segregation evidence has been identified for this variant. (I) 1007 - No published functional evidence has been identified for this variant. (I) 1208 - Inheritance information for this variant is not currently available in this individual. (I) Legend: (SP) - Supporting pathogenic, (I) - Information, (SB) - Supporting benign

GeneReviews
No classification provided. Condition: Developmental and epileptic encephalopathy, 7. Review status: no classification provided. Collection method: literature only. Allele origin: germline. Affected: yes. Not counted in ClinVar's aggregate classification.
Comment: EE (epileptic encephalopathy)

Literature cited by the submitters: PubMed 23708187 (cited by 3 submitters); PubMed 24318194 (cited by Victorian Clinical Genetics Services, Murdoch Childrens Research Institute); PubMed 25959266 (cited by Victorian Clinical Genetics Services, Murdoch Childrens Research Institute); PubMed 32917465 (cited by Victorian Clinical Genetics Services, Murdoch Childrens Research Institute); NCBI Bookshelf NBK32534 (cited by GeneReviews).

NM_172107.4(KCNQ2):c.1382A>C (p.Gln461Pro)

Gene: KCNQ2 (potassium voltage-gated channel subfamily Q member 2; minus strand). Cytogenetic location: 20q13.33.
Variant type: single nucleotide variant.
Coding change: c.1382A>C on transcript NM_172107.4 (MANE Select); coding-DNA position 1382, A replaced by C.
Protein change: p.Gln461Pro; replaces glutamine 461 with proline.
Molecular consequence: missense variant.
Genome position (GRCh38, 1-based): chr20:63,415,046, T>G on the plus strand (A>C on the coding strand, the complement: KCNQ2 is on the minus strand). VCF-style: chr20-63415046-T-G. GRCh37 (hg19) VCF-style: chr20-62046399-T-G.
Other names: c.1298A>C, p.Gln433Pro (NM_004518.6); c.1328A>C, p.Gln443Pro (NM_172106.3); c.1292A>C, p.Gln431Pro (NM_172108.5); short protein forms Q461P, Q433P, Q443P, Q431P.
Identifiers: ClinVar variation 369794 (VCV000369794.8), dbSNP rs1057516116, ClinGen allele CA10654790.